The following is an entry in ClinVar:

NM_006080.3(SEMA3A):c.607dup (p.Arg203fs)

Gene: SEMA3A (semaphorin 3A; minus strand). Cytogenetic location: 7q21.11.
Variant type: Duplication.
Coding change: c.607dup on transcript NM_006080.3 (MANE Select); coding-DNA position 607, one base duplicated (C; older notation c.607dupC).
Protein change: p.Arg203fs; shifts the reading frame from arginine 203.
Molecular consequence: frameshift variant.
Genome position (GRCh38, 1-based): chr7:84,046,384, G duplicated on the plus strand (C on the coding strand, the reverse complement: SEMA3A is on the minus strand); the first of 2 consecutive G bases (chr7:84,046,384-84,046,385); duplicating either gives the same sequence. VCF-style (leftmost placement, unchanged base first): chr7-84046383-C-CG. GRCh37 (hg19) VCF-style: chr7-83675699-C-CG.
Other names: c.607dupC (NM_006080.2); short protein forms R203fs.
Identifiers: ClinVar variation 3347278 (VCV003347278.1).
Genomic context (GRCh38, chr7:84,046,383, plus strand): 5'-CCATTGAGCCACCTGGAATCATGCTGCTCTGTCCTGATTGGGTGGTGGTGCCCAAGAGTT[C>CG]GGAAGATAGCAAAGTCTCGCCCCATAAAATCAGCTGCAGTTCCAGAGTATAATTCTCCAT-3'

ClinVar aggregate classification (germline): Likely pathogenic (0 of 4 stars; one submission).

Conditions:
SEMA3A-related disorder. Also called: SEMA3A-related condition.

Submission:

PreventionGenetics, part of Exact Sciences
Classification: Likely pathogenic for SEMA3A-related condition. Last evaluated: 2024-09-13. Review status: no assertion criteria provided. Collection method: clinical testing. Allele origin: germline.
Comment: The SEMA3A c.607dupC variant is predicted to result in a frameshift and premature protein termination (p.Arg203Profs*15). To our knowledge, this exact variant has not been reported in the literature or in a large population database, indicating this variant is rare. A C>T change at the same nucleotide (resulting in a p.Arg203* protein effect), has been reported in the homozygous state in a patient with short stature and arthrogryposis (Baumann et al. 2017. PubMed ID: 28075028). Heterozygous carrier siblings and parents were reported as unaffected, including no indication of hyposmia or anosmia upon qualitative olfactometry. Frameshift variants in SEMA3A are expected to be pathogenic. This variant is interpreted as likely pathogenic for autosomal recessive disease, but remains a variant of uncertain significance in relation to autosomal dominant SEMA3A-related disorders.